The following is an entry in ClinVar:

ClinVar aggregate classification (germline): Conflicting classifications of pathogenicity. Review status: criteria provided, conflicting classifications (1 of 4 stars). 2 submissions from 2 submitters: Uncertain significance (1); Likely benign (1). Last evaluated 2023-12-04.

Conditions:
Hereditary cancer-predisposing syndrome. Also called: Neoplastic Syndromes, Hereditary; Tumor predisposition; Hereditary Cancer Syndrome; Hereditary neoplastic syndrome. Identifiers: Orphanet 140162, MedGen C0027672, MeSH D009386, MONDO:0015356.

Submissions (2):

Color Diagnostics, LLC DBA Color Health
Classification: Uncertain significance for Hereditary cancer-predisposing syndrome. Last evaluated: 2023-12-04. Review status: criteria provided, single submitter. Criteria: ACMG Guidelines, 2015. Collection method: clinical testing. Allele origin: germline.
Comment: This missense variant replaces serine with glycine at codon 1748 of the BRCA2 protein. Computational prediction suggests that this variant may not impact protein structure and function (internally defined REVEL score threshold <= 0.5, PMID: 27666373). To our knowledge, functional studies have not been reported for this variant. This variant has not been reported in individuals affected with BRCA2-related disorders in the literature. This variant has not been identified in the general population by the Genome Aggregation Database (gnomAD). The available evidence is insufficient to determine the role of this variant in disease conclusively. Therefore, this variant is classified as a Variant of Uncertain Significance.

University of Washington Department of Laboratory Medicine, University of Washington
Classification: Likely benign for Hereditary cancer-predisposing syndrome. Last evaluated: 2023-03-23. Review status: criteria provided, single submitter. Criteria: Dines et al. (Genet Med. 2020). Collection method: curation. Allele origin: germline.
Comment: Missense variant in a coldspot region where missense variants are very unlikely to be pathogenic (PMID:31911673).

BRCA2 exon 11 coldspot. Reclassification based on statistical prior probability.

NM_000059.4(BRCA2):c.5242A>G (p.Ser1748Gly)

Gene: BRCA2 (BRCA2 DNA repair associated; plus strand). Cytogenetic location: 13q13.1.
Variant type: single nucleotide variant.
Coding change: c.5242A>G on transcript NM_000059.4 (MANE Select); coding-DNA position 5242, A replaced by G.
Protein change: p.Ser1748Gly; replaces serine 1748 with glycine.
Molecular consequence: missense variant.
Genome position (GRCh38, 1-based): chr13:32,339,597, A>G. VCF-style: chr13-32339597-A-G. GRCh37 (hg19) VCF-style: chr13-32913734-A-G.
Other names: short protein forms S1748G.
Identifiers: ClinVar variation 921776 (VCV000921776.6), dbSNP rs2072524829, ClinGen allele CA387784685.
Genomic context (GRCh38, chr13:32,339,597, plus strand): 5'-GACAAAAATCATCTCTCCGAAAAACAAGATACTTATTTAAGTAACAGTAGCATGTCTAAC[A>G]GCTATTCCTACCATTCTGATGAGGTATATAATGATTCAGGATATCTCTCAAAAAATAAAC-3'
Protein context (NP_000050.3, residues 1738-1758): TYLSNSSMSN[Ser1748Gly]YSYHSDEVYN